The following is an entry in ClinVar:

NM_006412.4(AGPAT2):c.103G>A (p.Ala35Thr)

Gene: AGPAT2 (1-acylglycerol-3-phosphate O-acyltransferase 2; minus strand). Cytogenetic location: 9q34.3.
Variant type: single nucleotide variant.
Coding change: c.103G>A on transcript NM_006412.4 (MANE Select); coding-DNA position 103, G replaced by A.
Protein change: p.Ala35Thr; replaces alanine 35 with threonine.
Molecular consequence: missense variant.
Genome position (GRCh38, 1-based): chr9:136,687,255, C>T on the plus strand (G>A on the coding strand, the complement: AGPAT2 is on the minus strand). VCF-style: chr9-136687255-C-T. GRCh37 (hg19) VCF-style: chr9-139581707-C-T.
Other names: c.103G>A, p.Ala35Thr (NM_001012727.2); short protein forms A35T.
Identifiers: ClinVar variation 2084937 (VCV002084937.5), dbSNP rs138811198, ClinGen allele CA5343170.

ClinVar aggregate classification (germline): Uncertain significance. Review status: criteria provided, multiple submitters, no conflicts (2 of 4 stars). 3 submissions from 3 submitters: Uncertain significance (3). Last evaluated 2024-06-10.

Conditions:
Inborn genetic diseases. Identifiers: MedGen C0950123, MeSH D030342.
Congenital generalized lipodystrophy type 1 (CGL1). Also called: BRUNZELL SYNDROME, AGPAT2-RELATED; Berardinelli-Seip Congenital Lipodystrophy Type 1. Identifiers: Orphanet 528, Orphanet 696189, MedGen C1720862, MONDO:0012071, OMIM 608594.

Allele frequency attached by ClinVar (database versions not stated): ExAC 0.00004; gnomAD exomes 0.00004; gnomAD 0.00005; TOPMed 0.00005; ESP Exome Variant Server 0.00008.
gnomAD v4.1: 62 of 1,594,562 alleles (0.0039%); highest among the groups gnomAD compares: Non-Finnish European, 0.0014%; no homozygotes.

Submissions (3):

Fulgent Genetics
Classification: Uncertain significance for Congenital generalized lipodystrophy type 1. Last evaluated: 2024-06-10. Review status: criteria provided, single submitter. Criteria: ACMG Guidelines, 2015. Collection method: clinical testing. Allele origin: germline.

Ambry Genetics
Classification: Uncertain significance for Inborn genetic diseases. Last evaluated: 2022-11-17. Review status: criteria provided, single submitter. Criteria: Ambry Variant Classification Scheme 2023. Collection method: clinical testing. Allele origin: germline.

Labcorp Genetics (formerly Invitae), Labcorp
Classification: Uncertain significance. Last evaluated: 2022-07-30. Review status: criteria provided, single submitter. Criteria: Invitae Variant Classification Sherloc (09022015). Collection method: clinical testing. Allele origin: germline.
Comment: This variant has not been reported in the literature in individuals affected with AGPAT2-related conditions. In summary, the available evidence is currently insufficient to determine the role of this variant in disease. Therefore, it has been classified as a Variant of Uncertain Significance. Algorithms developed to predict the effect of missense changes on protein structure and function (SIFT, PolyPhen-2, Align-GVGD) all suggest that this variant is likely to be tolerated. This variant is present in population databases (rs138811198, gnomAD 0.1%). This sequence change replaces alanine, which is neutral and non-polar, with threonine, which is neutral and polar, at codon 35 of the AGPAT2 protein (p.Ala35Thr).